The following is an entry in ClinVar:

ClinVar aggregate classification (germline): Uncertain significance (1 of 4 stars; one submission).

Conditions:
Intellectual developmental disorder, X-linked, syndromic, Raymond type. Also called: Syndromic X-linked intellectual disability Raymond type. Identifiers: MedGen C3275406, MONDO:0010427, OMIM 300799.

Submission:

Labcorp Genetics (formerly Invitae), Labcorp
Classification: Uncertain significance for Intellectual developmental disorder, X-linked, syndromic, Raymond type. Last evaluated: 2020-11-23. Review status: criteria provided, single submitter. Criteria: Invitae Variant Classification Sherloc (09022015). Collection method: clinical testing. Allele origin: germline.
Comment: This sequence change replaces threonine with isoleucine at codon 343 of the ZDHHC9 protein (p.Thr343Ile). The threonine residue is moderately conserved and there is a moderate physicochemical difference between threonine and isoleucine. This variant is not present in population databases (ExAC no frequency). This variant has not been reported in the literature in individuals with ZDHHC9-related conditions. Algorithms developed to predict the effect of missense changes on protein structure and function output the following: SIFT: "Tolerated"; PolyPhen-2: "Benign"; Align-GVGD: "Class C0". The isoleucine amino acid residue is found in multiple mammalian species, suggesting that this missense change does not adversely affect protein function. These predictions have not been confirmed by published functional studies and their clinical significance is uncertain. In summary, the available evidence is currently insufficient to determine the role of this variant in disease. Therefore, it has been classified as a Variant of Uncertain Significance.

NM_016032.4(ZDHHC9):c.1028C>T (p.Thr343Ile)

Gene: ZDHHC9 (zDHHC palmitoyltransferase 9; minus strand). Cytogenetic location: Xq26.1.
Variant type: single nucleotide variant.
Coding change: c.1028C>T on transcript NM_016032.4 (MANE Select); coding-DNA position 1028, C replaced by T.
Protein change: p.Thr343Ile; replaces threonine 343 with isoleucine.
Molecular consequence: missense variant.
Genome position (GRCh38, 1-based): chrX:129,806,437, G>A on the plus strand (C>T on the coding strand, the complement: ZDHHC9 is on the minus strand). VCF-style: chrX-129806437-G-A. GRCh37 (hg19) VCF-style: chrX-128940413-G-A.
Other names: c.1028C>T, p.Thr343Ile (NM_001008222.3); short protein forms T343I.
Identifiers: ClinVar variation 1425325 (VCV001425325.8), dbSNP rs2124096171, ClinGen allele CA414578432.
Genomic context (GRCh38, chrX:129,806,437, plus strand): 5'-TCAGCTTCAGCTGCCTCCTGTGGTGGCTCTGGGGGCTCTGGAGGTGGCATCTCTTCGGGA[G>A]TGCTGCTGTCCTCCGGCATCTCATTTGAGTTCAGGTGTTCTGTGGGGGCCTGAGAAGGAA-3'
Protein context (NP_057116.2, residues 333-353): NSNEMPEDSS[Thr343Ile]PEEMPPPEPP